The following is an entry in ClinVar:

NM_016599.5(MYOZ2):c.361G>A (p.Asp121Asn)

Gene: MYOZ2 (myozenin 2; plus strand). Cytogenetic location: 4q26.
Variant type: single nucleotide variant.
Coding change: c.361G>A on transcript NM_016599.5 (MANE Select); coding-DNA position 361, G replaced by A.
Protein change: p.Asp121Asn; replaces aspartic acid 121 with asparagine.
Molecular consequence: missense variant.
Genome position (GRCh38, 1-based): chr4:119,158,136, G>A. VCF-style: chr4-119158136-G-A. GRCh37 (hg19) VCF-style: chr4-120079291-G-A.
Other names: short protein forms D121N.
Identifiers: ClinVar variation 2882836 (VCV002882836.3), dbSNP rs2529770815, ClinGen allele CA358204024.
Genomic context (GRCh38, chr4:119,158,136, plus strand): 5'-TCGCAGCAAGCCCCCTTGACTCCTCCCAACACCCCAGATCCACGAAGCCCTCCAAATCCA[G>A]ACAACATTGCTCCAGGTAACCAATCCCCTTACCAACAGAGCAATAAAATTTCTGTGTACC-3'
Protein context (NP_057683.1, residues 111-131): TPDPRSPPNP[Asp121Asn]NIAPGYSGPL

ClinVar aggregate classification (germline): Uncertain significance (1 of 4 stars; one submission).

Conditions:
Hypertrophic cardiomyopathy. Also called: HYPERTROPHIC MYOCARDIOPATHY. Identifiers: Orphanet 217569, MedGen C0007194, MeSH D002312, MONDO:0005045, HP:0001639.

Allele frequency attached by ClinVar (database versions not stated): gnomAD exomes below 0.00001.
gnomAD v4.1: 1 of 1,613,980 alleles (0.000062%); highest among the groups gnomAD compares: Non-Finnish European, 0.000085%; no homozygotes.

Submission:

Labcorp Genetics (formerly Invitae), Labcorp
Classification: Uncertain significance for Hypertrophic cardiomyopathy. Last evaluated: 2023-11-01. Review status: criteria provided, single submitter. Criteria: Invitae Variant Classification Sherloc (09022015). Collection method: clinical testing. Allele origin: germline.
Comment: This sequence change replaces aspartic acid, which is acidic and polar, with asparagine, which is neutral and polar, at codon 121 of the MYOZ2 protein (p.Asp121Asn). This variant is not present in population databases (gnomAD no frequency). This variant has not been reported in the literature in individuals affected with MYOZ2-related conditions. Advanced modeling of protein sequence and biophysical properties (such as structural, functional, and spatial information, amino acid conservation, physicochemical variation, residue mobility, and thermodynamic stability) performed at Invitae indicates that this missense variant is not expected to disrupt MYOZ2 protein function with a negative predictive value of 80%. In summary, the available evidence is currently insufficient to determine the role of this variant in disease. Therefore, it has been classified as a Variant of Uncertain Significance.